The following is an entry in ClinVar:

ClinVar aggregate classification (germline): Uncertain significance. Review status: criteria provided, multiple submitters, no conflicts (2 of 4 stars). 2 submissions from 2 submitters: Uncertain significance (2). Last evaluated 2020-10-30.

Allele frequency attached by ClinVar (database versions not stated): TOPMed below 0.00001; gnomAD exomes 0.00001.

Submissions (2):

Labcorp Genetics (formerly Invitae), Labcorp
Classification: Uncertain significance. Last evaluated: 2020-10-30. Review status: criteria provided, single submitter. Criteria: Invitae Variant Classification Sherloc (09022015). Collection method: clinical testing. Allele origin: germline.
Comment: This sequence change affects the initiator methionine of the IL21 mRNA. The next in-frame methionine is located at codon 8. This variant is not present in population databases (ExAC no frequency). This variant has not been reported in the literature in individuals with IL21-related conditions. ClinVar contains an entry for this variant (Variation ID: 809678). Experimental studies and prediction algorithms are not available or were not evaluated, and the functional significance of this variant is currently unknown. In summary, the available evidence is currently insufficient to determine the role of this variant in disease. Therefore, it has been classified as a Variant of Uncertain Significance.

CeGaT Center for Human Genetics Tuebingen
Classification: Uncertain significance. Last evaluated: 2019-03-01. Review status: criteria provided, single submitter. Criteria: CeGaT Center For Human Genetics Tuebingen Variant Classification Criteria Version 2. Collection method: clinical testing. Allele origin: germline. Affected: yes. Observed: 1 variant allele.

NM_021803.4(IL21):c.2T>C (p.Met1Thr)

Genes: IL21 (interleukin 21; minus strand), IL21-AS1 (IL21 antisense RNA 1; plus strand), LOC126807147 (CDK7 strongly-dependent group 2 enhancer GRCh37_chr4:123541308-123542507; plus strand). Cytogenetic location: 4q27.
Variant type: single nucleotide variant.
Coding change: c.2T>C on transcript NM_021803.4 (MANE Select); coding-DNA position 2, T replaced by C.
Protein change: p.Met1Thr; changes the start codon (methionine 1).
Molecular consequence: missense variant, initiator codon variant. On other transcripts: non-coding transcript variant (1).
Genome position (GRCh38, 1-based): chr4:122,621,010, A>G on the plus strand (T>C on the coding strand, the complement: IL21 is on the minus strand). VCF-style: chr4-122621010-A-G. GRCh37 (hg19) VCF-style: chr4-123542165-A-G.
Other names: c.2T>C, p.Met1Thr (NM_001207006.3); short protein forms M1T.
Identifiers: ClinVar variation 809678 (VCV000809678.50), dbSNP rs1177862749, ClinGen allele CA358221966.